The following is an entry in ClinVar:

NM_000091.5(COL4A3):c.1972C>G (p.Pro658Ala)

Genes: MFF-DT (MFF divergent transcript; minus strand), COL4A3 (collagen type IV alpha 3 chain; plus strand). Cytogenetic location: 2q36.3.
Variant type: single nucleotide variant.
Coding change: c.1972C>G on transcript NM_000091.5 (MANE Select); coding-DNA position 1972, C replaced by G.
Protein change: p.Pro658Ala; replaces proline 658 with alanine.
Molecular consequence: missense variant.
Genome position (GRCh38, 1-based): chr2:227,276,429, C>G. VCF-style: chr2-227276429-C-G. GRCh37 (hg19) VCF-style: chr2-228141145-C-G.
Other names: short protein forms P658A.
Identifiers: ClinVar variation 1327788 (VCV001327788.7), dbSNP rs749751219, ClinGen allele CA2146814.

ClinVar aggregate classification (germline): Uncertain significance. Review status: criteria provided, multiple submitters, no conflicts (2 of 4 stars). 2 submissions from 2 submitters: Uncertain significance (2). Last evaluated 2022-10-25.

Allele frequency attached by ClinVar (database versions not stated): gnomAD exomes below 0.00001; ExAC 0.00001.
gnomAD v4.1: 1 of 1,614,220 alleles (0.000062%); highest among the groups gnomAD compares: South Asian, 0.0011%; no homozygotes.

Submissions (2):

Labcorp Genetics (formerly Invitae), Labcorp
Classification: Uncertain significance. Last evaluated: 2022-10-25. Review status: criteria provided, single submitter. Criteria: Invitae Variant Classification Sherloc (09022015). Collection method: clinical testing. Allele origin: germline.
Comment: In summary, the available evidence is currently insufficient to determine the role of this variant in disease. Therefore, it has been classified as a Variant of Uncertain Significance. Advanced modeling of protein sequence and biophysical properties (such as structural, functional, and spatial information, amino acid conservation, physicochemical variation, residue mobility, and thermodynamic stability) has been performed at Invitae for this missense variant, however the output from this modeling did not meet the statistical confidence thresholds required to predict the impact of this variant on COL4A3 protein function. ClinVar contains an entry for this variant (Variation ID: 1327788). This variant has not been reported in the literature in individuals affected with COL4A3-related conditions. This variant is present in population databases (rs749751219, gnomAD 0.003%). This sequence change replaces proline, which is neutral and non-polar, with alanine, which is neutral and non-polar, at codon 658 of the COL4A3 protein (p.Pro658Ala).

GeneDx
Classification: Uncertain significance. Last evaluated: 2021-06-08. Review status: criteria provided, single submitter. Criteria: GeneDx Variant Classification Process June 2021. Collection method: clinical testing. Allele origin: germline. Affected: yes.
Comment: Not observed at significant frequency in large population cohorts (Lek et al., 2016); In silico analysis supports that this missense variant has a deleterious effect on protein structure/function; Occurs in the triple helical domain at the Y position in the canonical Gly-X-Y repeat; although this variant may have an effect on normal protein folding and function, missense substitution at the Y position is not a common mechanism of disease; Has not been previously published as pathogenic or benign to our knowledge; This variant is associated with the following publications: (PMID: 27535533)